The following is an entry in ClinVar:

NM_001164508.2(NEB):c.3879+8G>A

Gene: NEB (nebulin; minus strand). Cytogenetic location: 2q23.3.
Variant type: single nucleotide variant.
Coding change: c.3879+8G>A on transcript NM_001164508.2 (MANE Select); 8 bases into the intron after coding-DNA position 3879, G replaced by A.
Molecular consequence: intron variant.
Genome position (GRCh38, 1-based): chr2:151,675,279, C>T on the plus strand (G>A on the coding strand, the complement: NEB is on the minus strand). VCF-style: chr2-151675279-C-T. GRCh37 (hg19) VCF-style: chr2-152531793-C-T.
Other names: c.3879+8G>A (NM_004543.5, NM_001164507.2, NM_001271208.2).
Identifiers: ClinVar variation 167338 (VCV000167338.25), dbSNP rs376511134, ClinGen allele CA234343.
Genomic context (GRCh38, chr2:151,675,279, plus strand): 5'-CCTACTCTTAAAGTCTATAATTTTATTGTCAGGTCCGAATTTCACATCCCAGCAAAGACC[C>T]TACTTACGTCACTTATATTGTAAGCATTGCACTTGGCCTGGAGAAACTGAGGAAGATCAG-3'

ClinVar aggregate classification (germline): Conflicting classifications of pathogenicity. Review status: criteria provided, conflicting classifications (1 of 4 stars). 6 submissions from 6 submitters: Uncertain significance (2); Likely benign (1). 3 of the submissions do not count toward it. Last evaluated 2026-01-25.

Conditions:
NEB-related disorder. Also called: NEB-related condition; NEB-Related Disorders.
Nemaline myopathy 2 (NEM2). Also called: Nemaline myopathy 2, autosomal recessive. Identifiers: MedGen C1850569, MONDO:0009725, OMIM 256030.

Allele frequency attached by ClinVar (database versions not stated): gnomAD exomes 0.00007 and 0.00040; gnomAD 0.00016 and 0.00021; TOPMed 0.00018; 1000 Genomes Project 0.00020; ExAC 0.00048; 1000 Genomes Project 30x 0.00094.
gnomAD v4.1: 155 of 1,541,816 alleles (0.01%); highest among the groups gnomAD compares: East Asian, 0.24%; no homozygotes.

Submissions (6):

Labcorp Genetics (formerly Invitae), Labcorp
Classification: Likely benign for Nemaline myopathy 2. Last evaluated: 2026-01-25. Review status: criteria provided, single submitter. Criteria: Invitae Variant Classification Sherloc (09022015). Collection method: clinical testing. Allele origin: germline.

Illumina Laboratory Services, Illumina
Classification: Uncertain significance for Nemaline myopathy 2. Last evaluated: 2018-01-12. Review status: criteria provided, single submitter. Criteria: ICSL Variant Classification Criteria 13 December 2019. Collection method: clinical testing. Allele origin: germline.

Eurofins Ntd Llc (ga)
Classification: Uncertain significance. Last evaluated: 2013-11-26. Review status: criteria provided, single submitter. Criteria: EGL Classification Definitions 2015. Collection method: clinical testing. Allele origin: germline. Observed: 1 variant allele, 1 heterozygote.

Natera, Inc.
Classification: Uncertain significance for Nemaline myopathy type 2. Last evaluated: 2020-01-17. Review status: no assertion criteria provided. Collection method: clinical testing. Allele origin: germline. Not counted in ClinVar's aggregate classification.

PreventionGenetics, part of Exact Sciences
Classification: Likely benign for NEB-related condition. Last evaluated: 2019-06-03. Review status: no assertion criteria provided. Collection method: clinical testing. Allele origin: germline. Not counted in ClinVar's aggregate classification.
Comment: This variant is classified as likely benign based on ACMG/AMP sequence variant interpretation guidelines (Richards et al. 2015 PMID: 25741868, with internal and published modifications).

Counsyl
Classification: Likely benign for Nemaline myopathy 2. Last evaluated: 2016-12-29. Review status: no assertion criteria provided. Collection method: clinical testing. Allele origin: unknown. Not counted in ClinVar's aggregate classification.